The following is an entry in ClinVar:

ClinVar aggregate classification (germline): Likely pathogenic (1 of 4 stars; one submission).

gnomAD v4.1: 1 of 1,613,744 alleles (0.000062%); highest among the groups gnomAD compares: Non-Finnish European, 0.000085%; no homozygotes.

Submission:

GeneDx
Classification: Likely pathogenic. Last evaluated: 2025-06-18. Review status: criteria provided, single submitter. Criteria: GeneDx Variant Classification Process June 2021. Collection method: clinical testing. Allele origin: germline. Affected: yes.
Comment: This substitution is predicted to be within the intracellular loop between the S2 and S3 transmembrane segements; Not observed at significant frequency in large population cohorts (gnomAD); In silico analysis supports that this missense variant has a deleterious effect on protein structure/function; In silico analysis suggests this variant may impact gene splicing. In the absence of RNA/functional studies, the actual effect of this sequence change is unknown.; Has not been previously published as pathogenic or benign to our knowledge

NM_172107.4(KCNQ2):c.478C>T (p.Arg160Trp)

Gene: KCNQ2 (potassium voltage-gated channel subfamily Q member 2; minus strand). Cytogenetic location: 20q13.33.
Variant type: single nucleotide variant.
Coding change: c.478C>T on transcript NM_172107.4 (MANE Select); coding-DNA position 478, C replaced by T.
Protein change: p.Arg160Trp; replaces arginine 160 with tryptophan.
Molecular consequence: missense variant.
Genome position (GRCh38, 1-based): chr20:63,445,274, G>A on the plus strand (C>T on the coding strand, the complement: KCNQ2 is on the minus strand). VCF-style: chr20-63445274-G-A. GRCh37 (hg19) VCF-style: chr20-62076627-G-A.
Other names: c.478C>T, p.Arg160Trp (NM_001382235.1, NM_004518.6, NM_172106.3 and 2 more transcripts); short protein forms R160W.
Identifiers: ClinVar variation 1215427 (VCV001215427.4), dbSNP rs2081378361, ClinGen allele CA409655204.
Genomic context (GRCh38, chr20:63,445,274, plus strand): 5'-AATACCACCCCCACCAGGCCTCACCAATCACACAGAACGGTTTCCGGGCAAACTTGAGCC[G>A]CCCCCTCCAGCCACGGTACCGGCAGCAGCAGCCTGCGGCCCAGATCCGCACGAAGTACTC-3'
Protein context (NP_742105.1, residues 150-170): CCCRYRGWRG[Arg160Trp]LKFARKPFCV